The following is an entry in ClinVar:

ClinVar aggregate classification (germline): Likely benign. Review status: criteria provided, multiple submitters, no conflicts (2 of 4 stars). 3 submissions from 3 submitters: Likely benign (3). Last evaluated 2025-07-02.

Conditions:
Wilson disease (WND). Also called: Wilson's disease. Identifiers: Orphanet 905, MedGen C0019202, MONDO:0010200, OMIM 277900. Disease mechanism: loss of function.

Allele frequency attached by ClinVar (database versions not stated): TOPMed below 0.00001.
gnomAD v4.1: 4 of 1,614,004 alleles (0.00025%); highest among the groups gnomAD compares: Non-Finnish European, 0.00034%; no homozygotes.

Submissions (3):

Labcorp Genetics (formerly Invitae), Labcorp
Classification: Likely benign for Wilson disease. Last evaluated: 2025-07-02. Review status: criteria provided, single submitter. Criteria: Invitae Variant Classification Sherloc (09022015). Collection method: clinical testing. Allele origin: germline.

All of Us Research Program, National Institutes of Health
Classification: Likely benign for Wilson disease. Last evaluated: 2023-02-24. Review status: criteria provided, single submitter. Criteria: ACMG Guidelines, 2015. Collection method: clinical testing. Allele origin: germline. Inheritance: Autosomal recessive inheritance. Observed: 1 variant allele, 1 heterozygote.
Comment: This study involves interpretation of variants in research participants for the purpose of population health screening. Participant phenotype was not available at the time of variant classification. Additional details can be found in publication PMID: 35346344, PMCID: PMC8962531

Color Diagnostics, LLC DBA Color Health
Classification: Likely benign for Wilson disease. Last evaluated: 2022-04-22. Review status: criteria provided, single submitter. Criteria: ACMG Guidelines, 2015. Collection method: clinical testing. Allele origin: germline.

NM_000053.4(ATP7B):c.2748G>A (p.Leu916=)

Gene: ATP7B (ATPase copper transporting beta; minus strand). Cytogenetic location: 13q14.3.
Variant type: single nucleotide variant.
Coding change: c.2748G>A on transcript NM_000053.4 (MANE Select); coding-DNA position 2748, G replaced by A.
Protein change: p.Leu916=; no amino-acid change (leucine 916 retained).
Molecular consequence: synonymous variant. On other transcripts: intron variant (3).
Genome position (GRCh38, 1-based): chr13:51,949,779, C>T on the plus strand (G>A on the coding strand, the complement: ATP7B is on the minus strand). VCF-style: chr13-51949779-C-T. GRCh37 (hg19) VCF-style: chr13-52523915-C-T.
Other names: c.2415G>A, p.Leu805= (NM_001243182.2); c.2514G>A, p.Leu838= (NM_001330578.2, NM_001406527.1, NM_001406528.1 and 2 more transcripts); c.2496G>A, p.Leu832= (NM_001330579.2, NM_001406531.1, NM_001406532.1 and 1 more transcripts); c.2748G>A, p.Leu916= (NM_001406511.1, NM_001406512.1, NM_001406513.1 and 5 more transcripts); c.2715G>A, p.Leu905= (NM_001406514.1); c.2652G>A, p.Leu884= (NM_001406517.1, NM_001406518.1); c.2604G>A, p.Leu868= (NM_001406520.1, NM_001406521.1, NM_001406522.1 and 1 more transcripts); c.2571G>A, p.Leu857= (NM_001406524.1); and 10 more.
Identifiers: ClinVar variation 2883751 (VCV002883751.5), dbSNP rs1012568202, ClinGen allele CA250084952.